The following is an entry in ClinVar:

NM_013266.4(CTNNA3):c.1571C>G (p.Ala524Gly)

Gene: CTNNA3 (catenin alpha 3; minus strand). Cytogenetic location: 10q21.3.
Variant type: single nucleotide variant.
Coding change: c.1571C>G on transcript NM_013266.4 (MANE Select); coding-DNA position 1571, C replaced by G.
Protein change: p.Ala524Gly; replaces alanine 524 with glycine.
Molecular consequence: missense variant.
Genome position (GRCh38, 1-based): chr10:66,379,313, G>C on the plus strand (C>G on the coding strand, the complement: CTNNA3 is on the minus strand). VCF-style: chr10-66379313-G-C. GRCh37 (hg19) VCF-style: chr10-68139071-G-C.
Other names: c.1571C>G, p.Ala524Gly (NM_001127384.3); short protein forms A524G.
Identifiers: ClinVar variation 641043 (VCV000641043.8), dbSNP rs1589162805, ClinGen allele CA377090521.

ClinVar aggregate classification (germline): Uncertain significance (1 of 4 stars; one submission).

Conditions:
Arrhythmogenic right ventricular dysplasia 13. Also called: ARRHYTHMOGENIC RIGHT VENTRICULAR CARDIOMYOPATHY 13; Arrhythmogenic right ventricular dysplasia, familial, 13. Identifiers: MedGen C3810138, MONDO:0000908, OMIM 615616.

Submission:

Labcorp Genetics (formerly Invitae), Labcorp
Classification: Uncertain significance for Arrhythmogenic right ventricular dysplasia 13. Last evaluated: 2018-11-19. Review status: criteria provided, single submitter. Criteria: Invitae Variant Classification Sherloc (09022015). Collection method: clinical testing. Allele origin: germline.
Comment: In summary, the available evidence is currently insufficient to determine the role of this variant in disease. Therefore, it has been classified as a Variant of Uncertain Significance. This variant has not been reported in the literature in individuals with CTNNA3-related disease. This variant is not present in population databases (ExAC no frequency). This sequence change replaces alanine with glycine at codon 524 of the CTNNA3 protein (p.Ala524Gly). The alanine residue is moderately conserved and there is a small physicochemical difference between alanine and glycine.